The following is an entry in ClinVar:

NM_007294.4(BRCA1):c.4652C>T (p.Ser1551Phe)

Gene: BRCA1 (BRCA1 DNA repair associated; minus strand). Cytogenetic location: 17q21.31.
Variant type: single nucleotide variant.
Coding change: c.4652C>T on transcript NM_007294.4 (MANE Select); coding-DNA position 4652, C replaced by T.
Protein change: p.Ser1551Phe; replaces serine 1551 with phenylalanine.
Molecular consequence: missense variant. On other transcripts: non-coding transcript variant (1).
Genome position (GRCh38, 1-based): chr17:43,074,354, G>A on the plus strand (C>T on the coding strand, the complement: BRCA1 is on the minus strand). VCF-style: chr17-43074354-G-A. GRCh37 (hg19) VCF-style: chr17-41226371-G-A.
Other names: c.4442C>T, p.Ser1481Phe (NM_001407887.1, NM_001407889.1, NM_001407879.1 and 5 more transcripts); c.4439C>T, p.Ser1480Phe (NM_001407894.1, NM_001407895.1, NM_001407896.1 and 12 more transcripts); c.4436C>T, p.Ser1479Phe (NM_001407915.1, NM_001407916.1, NM_001407917.1 and 1 more transcripts); c.4529C>T, p.Ser1510Phe (NM_001407919.1, NM_001407937.1, NM_001407938.1 and 6 more transcripts); c.4388C>T, p.Ser1463Phe (NM_001407920.1, NM_001407921.1, NM_001407922.1 and 4 more transcripts); c.4385C>T, p.Ser1462Phe (NM_001407928.1, NM_001407929.1, NM_001407930.1 and 4 more transcripts); c.4382C>T, p.Ser1461Phe (NM_001407934.1, NM_001407935.1, NM_001407936.1); c.4526C>T, p.Ser1509Phe (NM_001407939.1, NM_001407940.1, NM_001407670.1 and 11 more transcripts); and 68 more; short protein forms S1504F, S1551F, S1572F, S447F, S1482F, S1503F, S1507F, S1509F.
Identifiers: ClinVar variation 1005841 (VCV001005841.10), dbSNP rs2052590804, ClinGen allele CA10592207.

ClinVar aggregate classification (germline): Uncertain significance (1 of 4 stars; one submission).

Conditions:
Hereditary breast ovarian cancer syndrome. Also called: Hereditary breast and/or ovarian cancer syndrome; Hereditary breast and ovarian cancer syndrome; Hereditary breast and ovarian cancer syndrome (HBOC); Breast and ovarian cancer; BRCA1- and BRCA2-Associated Hereditary Breast and Ovarian Cancer; Hereditary breast and ovarian cancer. Identifiers: Orphanet 145, MedGen C0677776, MeSH D061325, MONDO:0003582. Disease mechanism: loss of function.

Submission:

Labcorp Genetics (formerly Invitae), Labcorp
Classification: Uncertain significance for Hereditary breast ovarian cancer syndrome. Last evaluated: 2020-07-30. Review status: criteria provided, single submitter. Criteria: Invitae Variant Classification Sherloc (09022015). Collection method: clinical testing. Allele origin: germline.
Comment: This sequence change replaces serine with phenylalanine at codon 1551 of the BRCA1 protein (p.Ser1551Phe). The serine residue is moderately conserved and there is a large physicochemical difference between serine and phenylalanine. This variant is not present in population databases (ExAC no frequency). In summary, the available evidence is currently insufficient to determine the role of this variant in disease. Therefore, it has been classified as a Variant of Uncertain Significance. Advanced modeling of protein sequence and biophysical properties (such as structural, functional, and spatial information, amino acid conservation, physicochemical variation, residue mobility, and thermodynamic stability) performed at Invitae indicates that this missense variant is not expected to disrupt BRCA1 protein function. This variant has not been reported in the literature in individuals with BRCA1-related conditions.